The following is an entry in ClinVar:

ClinVar aggregate classification (germline): Uncertain significance (1 of 4 stars; one submission).

Conditions:
Arrhythmogenic right ventricular dysplasia 11. Also called: Arrhythmogenic right ventricular dysplasia 11 with mild palmoplantar keratoderma and woolly hair; Arrhythmogenic Right Ventricular Dysplasia/Cardiomyopathy11; ARRHYTHMOGENIC RIGHT VENTRICULAR DYSPLASIA, FAMILIAL, 11. Identifiers: MedGen C1864850, MONDO:0012506, OMIM 610476.

Submission:

Labcorp Genetics (formerly Invitae), Labcorp
Classification: Uncertain significance for Arrhythmogenic right ventricular dysplasia 11. Last evaluated: 2024-07-22. Review status: criteria provided, single submitter. Criteria: Invitae Variant Classification Sherloc (09022015). Collection method: clinical testing. Allele origin: germline.
Comment: This sequence change replaces glutamic acid, which is acidic and polar, with aspartic acid, which is acidic and polar, at codon 207 of the DSC2 protein (p.Glu207Asp). This variant is not present in population databases (gnomAD no frequency). This variant has not been reported in the literature in individuals affected with DSC2-related conditions. ClinVar contains an entry for this variant (Variation ID: 1366249). Advanced modeling of protein sequence and biophysical properties (such as structural, functional, and spatial information, amino acid conservation, physicochemical variation, residue mobility, and thermodynamic stability) performed at Invitae indicates that this missense variant is not expected to disrupt DSC2 protein function with a negative predictive value of 80%. In summary, the available evidence is currently insufficient to determine the role of this variant in disease. Therefore, it has been classified as a Variant of Uncertain Significance.

NM_024422.6(DSC2):c.621A>C (p.Glu207Asp)

Gene: DSC2 (desmocollin 2; minus strand). Cytogenetic location: 18q12.1.
Variant type: single nucleotide variant.
Coding change: c.621A>C on transcript NM_024422.6 (MANE Select); coding-DNA position 621, A replaced by C.
Protein change: p.Glu207Asp; replaces glutamic acid 207 with aspartic acid.
Molecular consequence: missense variant.
Genome position (GRCh38, 1-based): chr18:31,089,448, T>G on the plus strand (A>C on the coding strand, the complement: DSC2 is on the minus strand). VCF-style: chr18-31089448-T-G. GRCh37 (hg19) VCF-style: chr18-28669411-T-G.
Other names: c.621A>C, p.Glu207Asp (NM_004949.5); short protein forms E207D.
Identifiers: ClinVar variation 1366249 (VCV001366249.8), dbSNP rs2144838603, ClinGen allele CA402113350.